The following is an entry in ClinVar:

ClinVar aggregate classification (germline): Uncertain significance (1 of 4 stars; one submission).

Submission:

GeneDx
Classification: Uncertain significance. Last evaluated: 2024-01-18. Review status: criteria provided, single submitter. Criteria: GeneDx Variant Classification Process June 2021. Collection method: clinical testing. Allele origin: germline. Affected: yes.
Comment: Not observed at significant frequency in large population cohorts (gnomAD); In silico analysis supports that this missense variant has a deleterious effect on protein structure/function; Has not been previously published as pathogenic or benign to our knowledge

NM_025243.4(SLC19A3):c.1052T>A (p.Val351Asp)

Gene: SLC19A3 (solute carrier family 19 member 3; minus strand). Cytogenetic location: 2q36.3.
Variant type: single nucleotide variant.
Coding change: c.1052T>A on transcript NM_025243.4 (MANE Select); coding-DNA position 1052, T replaced by A.
Protein change: p.Val351Asp; replaces valine 351 with aspartic acid.
Molecular consequence: missense variant.
Genome position (GRCh38, 1-based): chr2:227,696,009, A>T on the plus strand (T>A on the coding strand, the complement: SLC19A3 is on the minus strand). VCF-style: chr2-227696009-A-T. GRCh37 (hg19) VCF-style: chr2-228560725-A-T.
Other names: c.1052T>A, p.Val351Asp (NM_001371411.1, NM_001371412.1); c.1040T>A, p.Val347Asp (NM_001371413.1, NM_001371414.1); short protein forms V347D, V351D.
Identifiers: ClinVar variation 3367977 (VCV003367977.1).